The following is an entry in ClinVar:

ClinVar aggregate classification (germline): Pathogenic/Likely pathogenic. Review status: criteria provided, multiple submitters, no conflicts (2 of 4 stars). 17 submissions from 17 submitters: Pathogenic (10); Likely pathogenic (2). 5 of the submissions do not count toward it. Last evaluated 2026-01-06.

Conditions:
Multiple congenital anomalies (MCA). Also called: CONGENITAL ANOMALIES; Multiple congenital malformations; Multiple congenital abnormalities. Identifiers: MedGen C0000772.
Rubinstein-Taybi syndrome due to EP300 haploinsufficiency. Also called: EP300-Related Rubinstein-Taybi Syndrome; RUBINSTEIN-TAYBI SYNDROME 2. Identifiers: Orphanet 353284, Orphanet 783, MedGen C3150941, MONDO:0013364, OMIM 613684.
EP300-related disorder. Also called: EP300-related disorders; EP300-related condition.
Inborn genetic diseases. Identifiers: MedGen C0950123, MeSH D030342.

Allele frequency attached by ClinVar (database versions not stated): gnomAD exomes below 0.00001; TOPMed below 0.00001.
gnomAD v4.1: 2 of 1,614,216 alleles (0.00012%); highest among the groups gnomAD compares: Non-Finnish European, 0.00017%; no homozygotes.

Submissions 1 to 9 of 17:

PreventionGenetics, part of Exact Sciences
Classification: Pathogenic for EP300-related condition. Last evaluated: 2026-01-06. Review status: criteria provided, single submitter. Criteria: ACMG Guidelines, 2015. Collection method: clinical testing. Allele origin: germline.
Comment: The EP300 c.4783T>G variant is predicted to result in the amino acid substitution p.Phe1595Val. This variant has been reported, often as de novo, in multiple individuals with Rubinstein–Taybi syndrome (see for examples: Table S3, Retterer et al. 2016. PubMed ID: 26633542; Hamilton et al. 2016. PubMed ID: 27465822; Costain et al. 2017. PubMed ID: 29133209; Welters et al. 2019. PubMed ID: 31137009). This variant has also been reported as inherited from an asymptomatic parent in an individual with Rubinstein-Taybi syndrome (Table S1, Lecoquierre et al. 2019. PubMed ID: 31036916). This variant is absent in a large population database (gnomad), indicating this variant is rare. Given the evidence, we interpret this variant as pathogenic.

3billion
Classification: Pathogenic for Rubinstein-Taybi syndrome due to EP300 haploinsufficiency. Last evaluated: 2025-09-24. Review status: criteria provided, single submitter. Criteria: ACMG Guidelines, 2015. Collection method: clinical testing. Allele origin: germline. Affected: yes.
Comment: The variant is observed at an extremely low frequency in the gnomAD v4.1.0 dataset (total allele frequency: <0.001%). Predicted Consequence/Location: Missense variant. The majority of the known disease-causing variants of this gene are variants expected to result in premature termination of the protein. In silico tool predictions suggest damaging effect of the variant on gene or gene product [REVEL: 0.95 (>=0.6, sensitivity 0.68 and specificity 0.92); 3Cnet: 0.99 (> 0.75, sensitivity 0.96 and precision 0.92)]. The same nucleotide change resulting in the same amino acid change has been previously reported as pathogenic/likely pathogenic with strong evidence (ClinVar ID: VCV000372363 /PMID: 26633542 /3billion dataset). The variant has been previously reported as de novo in a similarly affected individual (PMID: 27465822). The variant has been previously reported as assumed (i.e. paternity and maternity not confirmed) de novo in at least one similarly affected unrelated individual (3billion dataset). A different missense change at the same codon (p.Phe1595Ile) has been reported to be associated with EP300-related disorder (ClinVar ID: VCV001685771). Therefore, this variant is classified as Pathogenic according to the recommendation of ACMG/AMP guideline.

Clinical Genomics Laboratory, Washington University in St. Louis
Classification: Pathogenic for Rubinstein-Taybi syndrome due to EP300 haploinsufficiency. Last evaluated: 2025-04-15. Review status: criteria provided, single submitter. Criteria: ACMG Guidelines, 2015. Collection method: clinical testing. Allele origin: germline. Affected: yes.
Comment: The EP300 c.4783T>G (p.Phe1595Val) variant has been reported in four individuals with Rubinstein-Taybi Syndrome and has been identified as occurring de novo in all of them (Costain G et al., PMID: 29133209; Hamilton MJ et al., PMID: 27465822; Lecoquierre F et al., PMID: 31036916; Welters A et al., PMID: 31137009). This variant has been reported in the ClinVar database as a pathogenic variant by ten submitters, as a likely pathogenic variant by three submitters, and as a variant of uncertain significance by one submitter (Variation ID: 372363). This variant is absent from the general population (gnomAD v.2.1.1), indicating it is not a common variant. Computational predictors indicate that the variant is damaging, evidence that correlates with impact to EP300 function. Based on available information and the ACMG/AMP guidelines for variant interpretation (Richards S et al., PMID: 25741868), this variant is classified as pathogenic.

Blueprint Genetics
Classification: Likely pathogenic for EP300-related disorders. Last evaluated: 2024-08-09. Review status: criteria provided, single submitter. Criteria: ACMG Guidelines, 2015. Collection method: clinical testing. Allele origin: germline. Affected: yes. Observed: 1 variant allele.

Molecular Genetics, Royal Melbourne Hospital
Classification: Pathogenic for Rubinstein-Taybi syndrome due to EP300 haploinsufficiency. Last evaluated: 2024-05-02. Review status: criteria provided, single submitter. Criteria: ACMG Guidelines, 2015. Collection method: clinical testing. Allele origin: germline. Inheritance: Autosomal dominant inheritance. Affected: yes.
Comment: This sequence change in EP300 is predicted to replace phenylalanine with valine at codon 1595, p.(Phe1595Val). The phenylalanine residue is highly conserved (100 vertebrates, Multiz Alignments), and is located in the HAT domain. There is a small physicochemical difference between phenylalanine and valine. The highest population minor allele frequency in the population database gnomAD v4.1 is 0.0002% (2/1,112,006 alleles) in the European (non-Finnish) population. This variant has been identified as a de novo occurrence with confirmed parental relationships in five individuals with syndromic intellectual disability (PMID: 26633542, 27465822, 29133209, 36973392; Shariant). Computational evidence predicts a deleterious effect for the missense substitution (REVEL = 0.953). Based on the classification scheme RMH Modified ACMG/AMP Guidelines v1.6.1, this variant is classified as PATHOGENIC. Following criteria are met: PS2_VeryStrong, PP3_Moderate, PM2_Supporting.

Laboratory of Medical Genetics, National & Kapodistrian University of Athens
Classification: Pathogenic for Rubinstein-Taybi syndrome due to EP300 haploinsufficiency. Last evaluated: 2024-02-20. Review status: criteria provided, single submitter. Criteria: ACMG Guidelines, 2015. Collection method: clinical testing. Allele origin: germline. Affected: yes.
Comment: PS4, PM2, PP3, PP5 - The variant has been reported in ClinVar as Pathogenic by other laboratories (Variation ID 372363). This variant has been previously reported as causative for EP300-related l disorders (PMID:29133209).

Labcorp Genetics (formerly Invitae), Labcorp
Classification: Pathogenic for Rubinstein-Taybi syndrome due to EP300 haploinsufficiency. Last evaluated: 2023-12-01. Review status: criteria provided, single submitter. Criteria: Invitae Variant Classification Sherloc (09022015). Collection method: clinical testing. Allele origin: germline.
Comment: This sequence change replaces phenylalanine, which is neutral and non-polar, with valine, which is neutral and non-polar, at codon 1595 of the EP300 protein (p.Phe1595Val). This variant is not present in population databases (gnomAD no frequency). This missense change has been observed in individual(s) with clinical features of Rubinstein-Taybi syndrome (PMID: 27465822, 29133209). In at least one individual the variant was observed to be de novo. ClinVar contains an entry for this variant (Variation ID: 372363). Advanced modeling of protein sequence and biophysical properties (such as structural, functional, and spatial information, amino acid conservation, physicochemical variation, residue mobility, and thermodynamic stability) performed at Invitae indicates that this missense variant is expected to disrupt EP300 protein function with a positive predictive value of 80%. For these reasons, this variant has been classified as Pathogenic.

Victorian Clinical Genetics Services, Murdoch Childrens Research Institute
Classification: Pathogenic for Rubinstein-Taybi syndrome due to EP300 haploinsufficiency. Last evaluated: 2023-07-17. Review status: criteria provided, single submitter. Criteria: ACMG Guidelines, 2015. Collection method: clinical testing. Allele origin: germline. Inheritance: Autosomal dominant inheritance. Affected: yes.
Comment: Based on the classification scheme VCGS_Germline_v1.3.4, this variant is classified as Pathogenic. Following criteria are met: 0102 - Loss of function is a known mechanism of disease in this gene and is associated with Rubinstein-Taybi syndrome 2 (RSTS; MIM#613684) and Menke-Hennekam syndrome 2 (MHS2; MIM#618333). Additionally, dominant negative is a suggested mechanism (PMIDs: 20301699, 24381114). Variants reported to cause RSTS are found throughout the protein, whereas of the few variants reported to cause MHS, all were located in exon 31 (PMID: 29460469). (I) 0107 - This gene is associated with autosomal dominant disease. (I) 0115 - Variants in this gene are known to have variable expressivity. Clinical features and developmental outcomes vary considerably between individuals with RSTS, with rare reports of pathogenic variants inherited from asymptomatic or mildly affected parents (PMID: 20301699). (I) 0200 - Variant is predicted to result in a missense amino acid change from phenylalanine to valine. (I) 0251 - This variant is heterozygous. (I) 0301 - Variant is absent from gnomAD (both v2 and v3). (SP) 0501 - Missense variant consistently predicted to be damaging by multiple in silico tools or highly conserved with a major amino acid change. (SP) 0600 - Variant is located in the annotated histone acetylation protein (DECIPHER). (I) 0801 - This variant has strong previous evidence of pathogenicity in unrelated individuals. This variant has been reported multiple times as pathogenic and likely pathogenic, and has been observed in individuals with Rubinstein-Taybi syndrome. In at least two of these individuals, the variant was confirmed de novo (ClinVar, PMID: 29133209). (SP) Legend: (SP) - Supporting pathogenic, (I) - Information, (SB) - Supporting benign

Revvity Omics, Revvity
Classification: Pathogenic. Last evaluated: 2021-08-31. Review status: criteria provided, single submitter. Criteria: ACMG Guidelines, 2015. Collection method: clinical testing. Allele origin: germline.

NM_001429.4(EP300):c.4783T>G (p.Phe1595Val)

Gene: EP300 (EP300 lysine acetyltransferase; plus strand). Cytogenetic location: 22q13.2.
Variant type: single nucleotide variant.
Coding change: c.4783T>G on transcript NM_001429.4 (MANE Select); coding-DNA position 4783, T replaced by G.
Protein change: p.Phe1595Val; replaces phenylalanine 1595 with valine.
Molecular consequence: missense variant.
Genome position (GRCh38, 1-based): chr22:41,176,250, T>G. VCF-style: chr22-41176250-T-G. GRCh37 (hg19) VCF-style: chr22-41572254-T-G.
Other names: c.4705T>G, p.Phe1569Val (NM_001362843.2); short protein forms F1595V, F1569V.
Identifiers: ClinVar variation 372363 (VCV000372363.28), dbSNP rs1057517732, ClinGen allele CA16043163.